The following is an entry in ClinVar:

ClinVar aggregate classification (germline): Likely pathogenic (1 of 4 stars; one submission).

Submission:

Labcorp Genetics (formerly Invitae), Labcorp
Classification: Likely pathogenic. Last evaluated: 2019-04-01. Review status: criteria provided, single submitter. Criteria: Invitae Variant Classification Sherloc (09022015). Collection method: clinical testing. Allele origin: germline.
Comment: In summary, the currently available evidence indicates that the variant is pathogenic, but additional data are needed to prove that conclusively. Therefore, this variant has been classified as Likely Pathogenic. Donor and acceptor splice site variants typically lead to a loss of protein function (PMID: 16199547), and loss-of-function variants in TPP1 are known to be pathogenic (PMID: 10330339). This variant has not been reported in the literature in individuals with TPP1-related conditions. This variant is not present in population databases (ExAC no frequency). This sequence change affects an acceptor splice site in intron 11 of the TPP1 gene. It is expected to disrupt RNA splicing and likely results in an absent or disrupted protein product.

Literature cited by the submitters: PubMed 16199547; PubMed 10330339.

NM_000391.4(TPP1):c.1426-1G>A

Gene: TPP1 (tripeptidyl peptidase 1; minus strand). Cytogenetic location: 11p15.4.
Variant type: single nucleotide variant.
Coding change: c.1426-1G>A on transcript NM_000391.4 (MANE Select); the canonical splice acceptor site of the intron before coding-DNA position 1426, G replaced by A.
Molecular consequence: splice acceptor variant.
Genome position (GRCh38, 1-based): chr11:6,614,992, C>T on the plus strand (G>A on the coding strand, the complement: TPP1 is on the minus strand). VCF-style: chr11-6614992-C-T. GRCh37 (hg19) VCF-style: chr11-6636223-C-T.
Identifiers: ClinVar variation 950273 (VCV000950273.8), dbSNP rs867927501, ClinGen allele CA217321161.